The following is an entry in ClinVar:

NM_022162.2(NOD2):c.241C>G (p.Leu81Val)

Gene: NOD2 (nucleotide binding oligomerization domain containing 2; plus strand). Cytogenetic location: 16q12.1.
Variant type: single nucleotide variant.
Coding change: c.241C>G on transcript NM_022162.2; coding-DNA position 241, C replaced by G.
Protein change: p.Leu81Val; replaces leucine 81 with valine.
Molecular consequence: missense variant (on NM_001370466.1). On other transcripts: non-coding transcript variant (1).
Genome position (GRCh38, 1-based): chr16:50,699,655, C>G. VCF-style: chr16-50699655-C-G. GRCh37 (hg19) VCF-style: chr16-50733566-C-G.
Other names: NOD2; c.160C>G, p.Leu54Val (NM_001293557.2, NM_001370466.1); c.241C>G, p.Leu81Val (NM_022162.3); short protein forms L81V, L54V.
Identifiers: ClinVar variation 267320 (VCV000267320.15), dbSNP rs34936594, ClinGen allele CA8051231.
Genomic context (GRCh38, chr16:50,699,655, plus strand): 5'-CTGTCCTGGGAGGTCCTCTCCTGGGAGGACTACGAGGGCTTCCACCTCCTGGGCCAGCCT[C>G]TCTCCCACTTGGCCAGGCGCCTTCTGGACACCGTCTGGAATAAGGGTACTTGGGCCTGTC-3'

ClinVar aggregate classification (germline): Likely benign. Review status: criteria provided, multiple submitters, no conflicts (2 of 4 stars). 4 submissions from 4 submitters: Likely benign (3). 1 of the submissions does not count toward it. Last evaluated 2026-02-12.

Conditions:
Behcet disease (BD). Also called: Behcet Syndrome; Behcet's syndrome. Identifiers: Orphanet 117, MedGen C0004943, MONDO:0007191, OMIM 109650, MeSH D001528.
Blau syndrome (BLAUS). Also called: ARTHROCUTANEOUVEAL GRANULOMATOSIS; GRANULOMATOSIS, FAMILIAL JUVENILE SYSTEMIC; GRANULOMATOSIS, FAMILIAL, BLAU TYPE; GRANULOMATOUS INFLAMMATORY ARTHRITIS, DERMATITIS, AND UVEITIS, FAMILIAL; JABS SYNDROME. Identifiers: Orphanet 90340, MedGen C5201146, MONDO:0008523, OMIM 186580.
Regional enteritis. Also called: Enteritis, Granulomatous. Identifiers: MedGen C0678202, MeSH D003424.

Allele frequency attached by ClinVar (database versions not stated): gnomAD exomes 0.00002 and 0.00007; ExAC 0.00012; ESP Exome Variant Server 0.00023; TOPMed 0.00043; gnomAD 0.00046 and 0.00047.
gnomAD v4.1: 108 of 1,614,180 alleles (0.0067%); highest among the groups gnomAD compares: African/African-American, 0.13%; 1 homozygote.

Submissions (4):

Women's Health and Genetics/Laboratory Corporation of America, LabCorp
Classification: Likely benign. Last evaluated: 2026-02-12. Review status: criteria provided, single submitter. Criteria: LabCorp Variant Classification Summary - May 2015. Collection method: clinical testing. Allele origin: germline.
Comment: Variant summary: NOD2 c.241C>G (p.Leu81Val) results in a conservative amino acid change in the encoded protein sequence. Algorithms developed to predict the effect of missense changes on protein structure and function are either unavailable or do not agree on the potential impact of this missense change. The variant allele was found at a frequency of 6.8e-05 in 251066 control chromosomes. The observed variant frequency exceeds the estimated maximal expected allele frequency for disease-causing variants in NOD2. c.241C>G has been observed in individual(s) affected with clinical features of Blau syndrome (Martin_2003). These report(s) do not provide unequivocal conclusions about association of the variant with Blau syndrome. To our knowledge, no experimental evidence demonstrating an impact on protein function has been reported. The following publication has been ascertained in the context of this evaluation (PMID: 14597055). ClinVar contains an entry for this variant (Variation ID: 267320). Based on the evidence outlined above, the variant was classified as likely benign.

Labcorp Genetics (formerly Invitae), Labcorp
Classification: Likely benign for Regional enteritis; Blau syndrome. Last evaluated: 2026-01-09. Review status: criteria provided, single submitter. Criteria: Invitae Variant Classification Sherloc (09022015). Collection method: clinical testing. Allele origin: germline.

Blueprint Genetics
Classification: Likely benign. Last evaluated: 2024-07-09. Review status: criteria provided, single submitter. Criteria: ACMG Guidelines, 2015. Collection method: clinical testing. Allele origin: germline.

Department of Immunology, Hospital Universitario Virgen del Rocio
Classification: Pathogenic for Behcet disease. Last evaluated: 2016-10-01. Review status: no assertion criteria provided. Collection method: case-control. Allele origin: germline. Affected: yes. Observed: 1 variant allele. Not counted in ClinVar's aggregate classification.

Literature cited by the submitters: PubMed 14597055 (cited by Women's Health and Genetics/Laboratory Corporation of America, LabCorp).